The following is an entry in ClinVar:

NM_006089.3(SCML2):c.1266G>A (p.Val422=)

Gene: SCML2 (Scm polycomb group protein like 2; minus strand). Cytogenetic location: Xp22.13.
Variant type: single nucleotide variant.
Coding change: c.1266G>A on transcript NM_006089.3 (MANE Select); coding-DNA position 1266, G replaced by A.
Protein change: p.Val422=; no amino-acid change (valine 422 retained).
Molecular consequence: synonymous variant. On other transcripts: non-coding transcript variant (1).
Genome position (GRCh38, 1-based): chrX:18,258,051, C>T on the plus strand (G>A on the coding strand, the complement: SCML2 is on the minus strand). VCF-style: chrX-18258051-C-T. GRCh37 (hg19) VCF-style: chrX-18276171-C-T.
Identifiers: ClinVar variation 2660099 (VCV002660099.24), dbSNP rs971391976, ClinGen allele CA326976466.

ClinVar aggregate classification (germline): Likely benign (1 of 4 stars; one submission).

Allele frequency attached by ClinVar (database versions not stated): gnomAD 0.00001; TOPMed 0.00002; gnomAD exomes 0.00003.
gnomAD v4.1: 35 of 1,201,978 alleles (0.0029%); highest among the groups gnomAD compares: Non-Finnish European, 0.0036%; no homozygotes.

Submission:

CeGaT Center for Human Genetics Tuebingen
Classification: Likely benign. Last evaluated: 2022-09-01. Review status: criteria provided, single submitter. Criteria: CeGaT Center For Human Genetics Tuebingen Variant Classification Criteria Version 2. Collection method: clinical testing. Allele origin: germline. Affected: yes. Observed: 1 variant allele.
Comment: SCML2: BP4, BP7